The following is an entry in ClinVar:

NM_000059.4(BRCA2):c.87_88insTTTTTTTTTTTTTTTTTTTTNNNNNNNNNNCTGACCTCGTGATCCGCCCGCCTCGGCCTCCCAAAGTGCTGGGATTACAGGCGTGAGCCACCGCGCCCGGCCAGGACCAATAAGTCTT (p.Asn30delinsPhePhePhePhePhePheXaaXaaXaaXaaLeuThrSerTer)

Gene: BRCA2 (BRCA2 DNA repair associated; plus strand). Cytogenetic location: 13q13.1.
Variant type: Insertion.
Coding change: c.87_88insTTTTTTTTTTTTTTTTTTTTNNNNNNNNNNCTGACCTCGTGATCCGCCCGCCTCGGCCTCCCAAAGTGCTGGGATTACAGGCGTGAGCCACCGCGCCCGGCCAGGACCAATAAGTCTT on transcript NM_000059.4 (MANE Select); coding-DNA positions 87 to 88, TTTTTTTTTTTTTTTTTTTTNNNNNNNNNNCTGACCTCGTGATCCGCCCGCCTCGGCCTCCCAAAGTGCTGGGATTACAGGCGTGAGCCACCGCGCCCGGCCAGGACCAATAAGTCTT inserted.
Protein change: p.Asn30delinsPhePhePhePhePhePheXaaXaaXaaXaaLeuThrSerTer.
Molecular consequence: nonsense. On other transcripts: 5 prime UTR variant (1), non-coding transcript variant (1).
Genome position: GRCh38: chr13:32,319,096-32,319,097. GRCh37 (hg19): chr13:32,893,233-32,893,234.
Other names: c.87_88insTTTTTTTTTTTTTTTTTTTTNNNNNNNNNNCTGACCTCGTGATCCGCCCGCCTCGGCCTCCCAAAGTGCTGGGATTACAGGCGTGAGCCACCGCGCCCGGCCAGGACCAATAAGTCTT, p.Asn30delinsPhePhePhePhePhePheXaaXaaXaaXaaLeuThrSerTer (NM_001406719.1, NM_001406720.1, NM_001406721.1); c.-283_-282insTTTTTTTTTTTTTTTTTTTTNNNNNNNNNNCTGACCTCGTGATCCGCCCGCCTCGGCCTCCCAAAGTGCTGGGATTACAGGCGTGAGCCACCGCGCCCGGCCAGGACCAATAAGTCTT (NM_001406722.1).
Identifiers: ClinVar variation 2703693 (VCV002703693.3), dbSNP rs2548511083.

ClinVar aggregate classification (germline): Pathogenic (1 of 4 stars; one submission).

Conditions:
Hereditary breast ovarian cancer syndrome. Also called: Hereditary breast and/or ovarian cancer syndrome; Hereditary breast and ovarian cancer syndrome (HBOC); Breast and ovarian cancer; Hereditary breast and ovarian cancer syndrome; Hereditary breast and ovarian cancer; BRCA1- and BRCA2-Associated Hereditary Breast and Ovarian Cancer. Identifiers: Orphanet 145, MedGen C0677776, MeSH D061325, MONDO:0003582. Disease mechanism: loss of function.

Submission:

Labcorp Genetics (formerly Invitae), Labcorp
Classification: Pathogenic for Hereditary breast ovarian cancer syndrome. Last evaluated: 2023-12-17. Review status: criteria provided, single submitter. Criteria: Invitae Variant Classification Sherloc (09022015). Collection method: clinical testing. Allele origin: germline.
Comment: This sequence change inserts a large fragment of DNA, likely a transposable element, in exon 3 of the BRCA2 gene (c.87_88ins?), causing a frameshift at codon 30 (p.Asn30fs). The exact size and sequence of the insertion cannot be determined by the current assay. However, the insertion is expected to result in an absent or disrupted protein product. This variant is not present in population databases (gnomAD no frequency). This variant has not been reported in the literature in individuals affected with BRCA2-related conditions. Retrotransposon insertions including LINE1 (L1), Alu, and SVA (SINE-VNTR-Alu) have been reported to be disease-causing through disruption of either a coding region or splice site (PMID: 19763152, 20307669, 22406018) and loss-of-function variants in BRCA2 are known to be pathogenic (PMID: 20104584). For these reasons, this variant has been classified as Pathogenic.

Literature cited by the submitters: PubMed 19763152; PubMed 20307669; PubMed 22406018; PubMed 20104584.